The following is an entry in ClinVar:

ClinVar aggregate classification (germline): Uncertain significance (1 of 4 stars; one submission).

gnomAD v4.1: 1 of 1,211,925 alleles (0.000083%); highest among the groups gnomAD compares: Non-Finnish European, 0.00011%; no homozygotes.

Submission:

GeneDx
Classification: Uncertain significance. Last evaluated: 2026-02-20. Review status: criteria provided, single submitter. Criteria: GeneDx Variant Classification Process June 2021. Collection method: clinical testing. Allele origin: germline.
Comment: Not observed at significant frequency in large population cohorts (gnomAD); In silico analysis supports that this missense variant has a deleterious effect on protein structure/function; Has not been previously published as pathogenic or benign to our knowledge

NM_001039591.3(USP9X):c.6397T>C (p.Cys2133Arg)

Gene: USP9X (ubiquitin specific peptidase 9 X-linked; plus strand). Cytogenetic location: Xp11.4.
Variant type: single nucleotide variant.
Coding change: c.6397T>C on transcript NM_001039591.3 (MANE Select); coding-DNA position 6397, T replaced by C.
Protein change: p.Cys2133Arg; replaces cysteine 2133 with arginine.
Molecular consequence: missense variant.
Genome position (GRCh38, 1-based): chrX:41,218,559, T>C. VCF-style: chrX-41218559-T-C. GRCh37 (hg19) VCF-style: chrX-41077812-T-C.
Other names: c.6397T>C, p.Cys2133Arg (NM_001039590.3); c.6412T>C, p.Cys2138Arg (NM_001410748.1, NM_001410749.1, NM_001437534.1); short protein forms C2138R, C2133R.
Identifiers: ClinVar variation 5009665 (VCV005009665.1).